The following is an entry in ClinVar:

ClinVar aggregate classification (germline): Conflicting classifications of pathogenicity. Review status: criteria provided, conflicting classifications (1 of 4 stars). 8 submissions from 8 submitters: Uncertain significance (2); Benign (1); Likely benign (4). 1 of the submissions does not count toward it. Last evaluated 2026-03-02.

Conditions:
POLG-related disorder. Also called: POLG-Related Spectrum Disorders; POLG-related condition; POLG-Related Disorders. Identifiers: MedGen C4763519.
Progressive sclerosing poliodystrophy (MTDPS4A). Also called: Alpers-Huttenlocher Syndrome (AHS); NEURONAL DEGENERATION OF CHILDHOOD WITH LIVER DISEASE, PROGRESSIVE; Alpers Syndrome; ALPERS PROGRESSIVE INFANTILE POLIODYSTROPHY; Alpers-Huttenlocher Syndrome; Mitochondrial DNA Depletion Syndrome 4A. Identifiers: Orphanet 726, MedGen C0205710, MONDO:0008758, OMIM 203700.

Allele frequency attached by ClinVar (database versions not stated): 1000 Genomes Project 30x 0.00016; 1000 Genomes Project 0.00020; ExAC 0.00021; gnomAD exomes 0.00023 and 0.00039; TOPMed 0.00025; gnomAD 0.00028 and 0.00032; ESP Exome Variant Server 0.00054.
gnomAD v4.1: 593 of 1,606,796 alleles (0.037%); highest among the groups gnomAD compares: Non-Finnish European, 0.048%; no homozygotes.

Submissions (9):

Women's Health and Genetics/Laboratory Corporation of America, LabCorp
Classification: Likely benign. Last evaluated: 2026-03-02. Review status: criteria provided, single submitter. Criteria: LabCorp Variant Classification Summary - May 2015. Collection method: clinical testing. Allele origin: germline.

Labcorp Genetics (formerly Invitae), Labcorp
Classification: Likely benign for Progressive sclerosing poliodystrophy. Last evaluated: 2025-12-24. Review status: criteria provided, single submitter. Criteria: Invitae Variant Classification Sherloc (09022015). Collection method: clinical testing. Allele origin: germline.

ARUP Laboratories, Molecular Genetics and Genomics, ARUP Laboratories
Classification: Uncertain significance. Last evaluated: 2025-04-22. Review status: criteria provided, single submitter. Criteria: ARUP Molecular Germline Variant Investigation Process 2024. Collection method: clinical testing. Allele origin: germline.

Blueprint Genetics
Classification: Likely benign. Last evaluated: 2024-10-04. Review status: criteria provided, single submitter. Criteria: ACMG Guidelines, 2015. Collection method: clinical testing. Allele origin: germline.

Wong Mito Lab, Molecular and Human Genetics, Baylor College of Medicine
Classification: Likely benign for Progressive sclerosing poliodystrophy. Last evaluated: 2018-10-01. Review status: criteria provided, single submitter. Criteria: ACMG Guidelines, 2015. Collection method: clinical testing. Allele origin: germline.
Comment: The NM_002693.2:c.2071-14T>G (NP_002684.1:p.=) [GRCH38: NC_000015.10:g.89323915A>C] variant in POLG gene is interpretated to be a Likely Benign based on ACMG guidelines (PMID: 25741868). This variant meets the following evidence codes reported in the ACMG-guideline. BS1:The minor allele frequency of this allele is high for Mitochondrial DNA depletion syndrome 4A (Alpers type). BP4:Computational evidence/predictors indicate no impact on the POLG structure, function, or protein-protein interaction. BP6:Reputable source(s) without shared data suggest the variant is benign. Based on the evidence criteria codes applied, the variant is suggested to be Likely Benign.

Illumina Laboratory Services, Illumina
Classification: Uncertain significance for POLG-Related Spectrum Disorders. Last evaluated: 2018-01-13. Review status: criteria provided, single submitter. Criteria: ICSL Variant Classification Criteria 13 December 2019. Collection method: clinical testing. Allele origin: germline.

GeneDx
Classification: Benign. Last evaluated: 2013-06-17. Review status: criteria provided, single submitter. Criteria: GeneDx Variant Classification (06012015). Collection method: clinical testing. Allele origin: germline. Affected: yes.
Comment: This variant is considered likely benign or benign based on one or more of the following criteria: it is a conservative change, it occurs at a poorly conserved position in the protein, it is predicted to be benign by multiple in silico algorithms, and/or has population frequency not consistent with disease.

PreventionGenetics, part of Exact Sciences
Classification: Likely benign for POLG-related condition. Last evaluated: 2023-04-28. Review status: no assertion criteria provided. Collection method: clinical testing. Allele origin: germline. Not counted in ClinVar's aggregate classification.
Comment: This variant is classified as likely benign based on ACMG/AMP sequence variant interpretation guidelines (Richards et al. 2015 PMID: 25741868, with internal and published modifications).

Dr. Peter K. Rogan Lab, Western University
No classification provided (evidence only). Condition: Ovarian serous cystadenocarcinoma. Review status: no classification provided. Collection method: in vitro. Allele origin: not applicable. Functional consequence: retained intron. Not counted in ClinVar's aggregate classification.

NM_002693.3(POLG):c.2071-14T>G

Gene: POLG (DNA polymerase gamma, catalytic subunit; minus strand). Cytogenetic location: 15q26.1.
Variant type: single nucleotide variant.
Coding change: c.2071-14T>G on transcript NM_002693.3 (MANE Select); 14 bases into the intron before coding-DNA position 2071, T replaced by G.
Molecular consequence: intron variant.
Genome position (GRCh38, 1-based): chr15:89,323,915, A>C on the plus strand (T>G on the coding strand, the complement: POLG is on the minus strand). VCF-style: chr15-89323915-A-C. GRCh37 (hg19) VCF-style: chr15-89867146-A-C.
Other names: c.2071-14T>G (NM_001126131.2).
Identifiers: ClinVar variation 138744 (VCV000138744.17), dbSNP rs150088708, ClinGen allele CA292827.